The following is an entry in ClinVar:

ClinVar aggregate classification (germline): Uncertain significance (1 of 4 stars; one submission).

Conditions:
Idiopathic generalized epilepsy. Also called: EIG; Generalised epilepsy. Identifiers: MedGen C0270850, MONDO:0005579, OMIM 600669.
Epilepsy, idiopathic generalized, susceptibility to, 13. Also called: EPILEPSY, JUVENILE MYOCLONIC, SUSCEPTIBILITY TO, 5. Identifiers: Orphanet 307, Orphanet 64280, MedGen C4013473, MONDO:0012627, OMIM 611136.
Epilepsy, childhood absence 4 (ECA4). Also called: EPILEPSY, CHILDHOOD ABSENCE, SUSCEPTIBILITY TO, 4. Identifiers: Orphanet 307, MedGen C1970160.

Submission:

Labcorp Genetics (formerly Invitae), Labcorp
Classification: Uncertain significance for Epilepsy, childhood absence 4; Epilepsy, idiopathic generalized, susceptibility to, 13; Idiopathic generalized epilepsy. Last evaluated: 2023-04-12. Review status: criteria provided, single submitter. Criteria: Invitae Variant Classification Sherloc (09022015). Collection method: clinical testing. Allele origin: germline.
Comment: Advanced modeling of protein sequence and biophysical properties (such as structural, functional, and spatial information, amino acid conservation, physicochemical variation, residue mobility, and thermodynamic stability) performed at Invitae indicates that this missense variant is expected to disrupt GABRA1 protein function. This sequence change replaces threonine, which is neutral and polar, with alanine, which is neutral and non-polar, at codon 161 of the GABRA1 protein (p.Thr161Ala). This variant is not present in population databases (gnomAD no frequency). This variant has not been reported in the literature in individuals affected with GABRA1-related conditions. In summary, the available evidence is currently insufficient to determine the role of this variant in disease. Therefore, it has been classified as a Variant of Uncertain Significance.

NM_001127644.2(GABRA1):c.481A>G (p.Thr161Ala)

Gene: GABRA1 (gamma-aminobutyric acid type A receptor subunit alpha1; plus strand). Cytogenetic location: 5q34.
Variant type: single nucleotide variant.
Coding change: c.481A>G on transcript NM_001127644.2 (MANE Select); coding-DNA position 481, A replaced by G.
Protein change: p.Thr161Ala; replaces threonine 161 with alanine.
Molecular consequence: missense variant.
Genome position (GRCh38, 1-based): chr5:161,875,564, A>G. VCF-style: chr5-161875564-A-G. GRCh37 (hg19) VCF-style: chr5-161302570-A-G.
Other names: c.481A>G, p.Thr161Ala (NM_000806.5, NM_001127643.2, NM_001127645.2 and 1 more transcripts); short protein forms T161A.
Identifiers: ClinVar variation 2946635 (VCV002946635.3), dbSNP rs2532244422, ClinGen allele CA362179188.